The following is an entry in ClinVar:

ClinVar aggregate classification (germline): Uncertain significance (1 of 4 stars; one submission).

Submission:

Athena Diagnostics
Classification: Uncertain significance. Last evaluated: 2025-09-05. Review status: criteria provided, single submitter. Criteria: Athena Diagnostics Criteria. Collection method: clinical testing. Allele origin: unknown.
Comment: Available data are insufficient to determine the clinical significance of the variant at this time. This variant has not been reported in large, multi-ethnic general populations. Computational tools disagree on the variant's effect on normal protein function. The variant is located in a region that is considered important for protein function and/or structure.

NM_006796.3(AFG3L2):c.1364G>T (p.Arg455Leu)

Gene: AFG3L2 (AFG3 like matrix AAA peptidase subunit 2; minus strand). Cytogenetic location: 18p11.21.
Variant type: single nucleotide variant.
Coding change: c.1364G>T on transcript NM_006796.3 (MANE Select); coding-DNA position 1364, G replaced by T.
Protein change: p.Arg455Leu; replaces arginine 455 with leucine.
Molecular consequence: missense variant.
Genome position (GRCh38, 1-based): chr18:12,351,368, C>A on the plus strand (G>T on the coding strand, the complement: AFG3L2 is on the minus strand). VCF-style: chr18-12351368-C-A. GRCh37 (hg19) VCF-style: chr18-12351367-C-A.
Other names: short protein forms R455L.
Identifiers: ClinVar variation 4682164 (VCV004682164.1).